The following is an entry in ClinVar:

ClinVar aggregate classification (germline): Pathogenic. Review status: criteria provided, multiple submitters, no conflicts (2 of 4 stars). 3 submissions from 3 submitters: Pathogenic (3). Last evaluated 2026-01-21.

Conditions:
Leber congenital amaurosis 5 (LCA5). Also called: Amaurosis congenita of Leber, type 5. Identifiers: Orphanet 65, MedGen C1858301, MONDO:0011473, OMIM 604537.

Submissions (3):

Natera, Inc.
Classification: Pathogenic for Leber congenital amaurosis type 5. Last evaluated: 2026-01-21. Review status: criteria provided, single submitter. Criteria: Natera Variant Classification Schema (03/2026). Collection method: clinical testing. Allele origin: germline.
Comment: The c.42_45delAAAG variant in LCA5 is a frameshift variant predicted to shift the reading frame beginning at codon 15 and leads to a stop codon 95 codons downstream. This variant is expected to result in nonsense mediated decay, truncation, or a dysfunctional protein product. This variant is rare in the general population with a frequency below the threshold expected for the associated phenotype(s). This variant has been observed in one or more individuals affected with the associated recessive disease, as either homozygous or compound heterozygous with a second variant (PMID: 23946133). Given the available evidence, this variant is classified as Pathogenic.

Baylor Genetics
Classification: Pathogenic for Leber congenital amaurosis 5. Last evaluated: 2024-02-05. Review status: criteria provided, single submitter. Criteria: ACMG Guidelines, 2015. Collection method: clinical testing. Allele origin: unknown.

Labcorp Genetics (formerly Invitae), Labcorp
Classification: Pathogenic. Last evaluated: 2023-11-18. Review status: criteria provided, single submitter. Criteria: Invitae Variant Classification Sherloc (09022015). Collection method: clinical testing. Allele origin: germline.
Comment: This sequence change creates a premature translational stop signal (p.Lys15Glnfs*95) in the LCA5 gene. It is expected to result in an absent or disrupted protein product. Loss-of-function variants in LCA5 are known to be pathogenic (PMID: 17546029, 23946133). This variant is not present in population databases (gnomAD no frequency). This premature translational stop signal has been observed in individual(s) with LCA5-related conditions (PMID: 23946133). For these reasons, this variant has been classified as Pathogenic.

Literature cited by the submitters: PubMed 23946133 (cited by Natera, Inc. and Labcorp Genetics (formerly Invitae), Labcorp); PubMed 17546029 (cited by Labcorp Genetics (formerly Invitae), Labcorp).

NM_001122769.3(LCA5):c.42_45del (p.Lys15fs)

Gene: LCA5 (lebercilin LCA5; minus strand). Cytogenetic location: 6q14.1.
Variant type: Microsatellite.
Coding change: c.42_45del on transcript NM_001122769.3 (MANE Select); coding-DNA positions 42 to 45, 4 bases deleted (AAAG; older notation c.42_45delAAAG).
Protein change: p.Lys15fs; shifts the reading frame from lysine 15.
Molecular consequence: frameshift variant.
Genome position (GRCh38, 1-based): chr6:79,518,850-79,518,853, CTTT deleted on the plus strand (AAAG on the coding strand, the reverse complement: LCA5 is on the minus strand); deleting any 4 consecutive bases within chr6:79,518,850-79,518,860 gives the same sequence; the c. name uses the placement nearest the transcript's 3' end. VCF-style (leftmost placement, unchanged base first): chr6-79518849-CCTTT-C. GRCh37 (hg19) VCF-style: chr6-80228566-CCTTT-C.
Other names: c.42_45delAAAG (NM_181714.3); c.42_45del, p.Lys15fs (NM_181714.4); short protein forms K15fs.
Identifiers: ClinVar variation 2136441 (VCV002136441.7), dbSNP rs2533451741, ClinGen allele CA2578676803.